The following is an entry in ClinVar:

ClinVar aggregate classification (germline): Uncertain significance. Review status: criteria provided, single submitter (1 of 4 stars). 2 submissions from 2 submitters: Uncertain significance (1). 1 of the submissions does not count toward it. Last evaluated 2023-11-29.

Conditions:
Craniosynostosis-anal anomalies-porokeratosis syndrome (CAP syndrome). Also called: CDAGS syndrome. Identifiers: Orphanet 85199, MedGen C1864186, MONDO:0011287, OMIM 603116.
Spinocerebellar ataxia, autosomal recessive 33 (SCAR33). Identifiers: MedGen C5774297, MONDO:0859360, OMIM 620208.

Allele frequency attached by ClinVar (database versions not stated): 1000 Genomes Project 30x 0.00016; 1000 Genomes Project 0.00020.

Submissions (2):

Illumina Laboratory Services, Illumina
Classification: Uncertain significance for Spinocerebellar ataxia, autosomal recessive 33. Last evaluated: 2023-11-29. Review status: criteria provided, single submitter. Criteria: ISL SNV Classification Criteria 03 February 2026. Collection method: clinical testing. Allele origin: unknown.
Comment: The RNU12 n.74A>G variant, also referred to as n.75A>G on an updated transcript, is a non-protein coding variant. The n.74A>G variant has been identified in a compound heterozygous state with the n.*3C>T variant in one patient with CDAGS syndrome (PMID: 34085356). This variant is not observed at a significant frequency in version 2.1.1 or version 4.0.0 of the Genome Aggregation Database. The n.74A>G variant is located in the Sm binding site, which is critical for the function of the minor U12-dependent spliceosome. Based on the available evidence, the n.74A>G variant is classified as a variant of uncertain significance for early onset cerebellar ataxia.

OMIM
Classification: Pathogenic for CDAGS SYNDROME. Last evaluated: 2023-01-24. Review status: no assertion criteria provided. Collection method: literature only. Allele origin: germline. Not counted in ClinVar's aggregate classification.

Literature cited by the submitters: PubMed 34085356 (cited by Illumina Laboratory Services, Illumina and OMIM).

NR_029422.2(RNU12):n.75A>G

Gene: RNU12 (RNA, U12 small nuclear; plus strand). Cytogenetic location: 22q13.2.
Variant type: single nucleotide variant.
Molecular consequence: non-coding transcript variant (on NR_029422.2).
Genome position: GRCh38 VCF-style: chr22-42615318-A-G. GRCh37 (hg19) VCF-style: chr22-43011324-A-G.
Identifiers: ClinVar variation 2443787 (VCV002443787.2), dbSNP rs552666394, ClinGen allele CA324729821.